The following is an entry in ClinVar:

NM_007294.4(BRCA1):c.-19-10T>C

Gene: BRCA1 (BRCA1 DNA repair associated; minus strand). Cytogenetic location: 17q21.31.
Variant type: single nucleotide variant.
Coding change: c.-19-10T>C on transcript NM_007294.4 (MANE Select); 10 bases into the intron before 19 bases upstream of the start codon, T replaced by C.
Molecular consequence: intron variant.
Genome position (GRCh38, 1-based): chr17:43,124,125, A>G on the plus strand (T>C on the coding strand, the complement: BRCA1 is on the minus strand). VCF-style: chr17-43124125-A-G. GRCh37 (hg19) VCF-style: chr17-41276142-A-G.
Other names: IVS1-10T>C; c.-106-10T>C (NM_007297.4); c.-19-10T>C (NM_007299.4, NM_007300.4).
Identifiers: ClinVar variation 125467 (VCV000125467.23), dbSNP rs201866997, ClinGen allele CA001251.

ClinVar aggregate classification (germline): Benign/Likely benign. Review status: criteria provided, multiple submitters, no conflicts (2 of 4 stars). 8 submissions from 8 submitters: Benign (1); Likely benign (4). 3 of the submissions do not count toward it. Last evaluated 2026-02-03.

Conditions:
BRCA1-related disorder. Also called: BRCA1-related condition.
Hereditary cancer-predisposing syndrome. Also called: Tumor predisposition; Hereditary neoplastic syndrome; Hereditary Cancer Syndrome; Neoplastic Syndromes, Hereditary. Identifiers: Orphanet 140162, MedGen C0027672, MeSH D009386, MONDO:0015356.
Hereditary breast ovarian cancer syndrome. Also called: Hereditary breast and/or ovarian cancer syndrome; Breast and ovarian cancer; Hereditary breast and ovarian cancer syndrome; Hereditary breast and ovarian cancer; Hereditary breast and ovarian cancer syndrome (HBOC); BRCA1- and BRCA2-Associated Hereditary Breast and Ovarian Cancer. Identifiers: Orphanet 145, MedGen C0677776, MeSH D061325, MONDO:0003582. Disease mechanism: loss of function.
Breast-ovarian cancer, familial, susceptibility to, 1 (BROVCA1). Also called: BRCA1 Hereditary Breast and Ovarian Cancer; OVARIAN CANCER, SUSCEPTIBILITY TO. Identifiers: Orphanet 145, MedGen C2676676, MONDO:0011450, OMIM 604370. Disease mechanism: loss of function.
Malignant tumor of breast. Also called: Malignant breast neoplasm; Cancer breast. Identifiers: MedGen C0006142, MONDO:0007254. Disease mechanism: loss of function.

Allele frequency attached by ClinVar (database versions not stated): gnomAD exomes 0.00001 and 0.00003; ExAC 0.00005; gnomAD 0.00007; TOPMed 0.00008; 1000 Genomes Project 30x 0.00016; 1000 Genomes Project 0.00020.
gnomAD v4.1: 36 of 1,478,326 alleles (0.0024%); highest among the groups gnomAD compares: African/African-American, 0.021%; no homozygotes.

Submissions (8):

Labcorp Genetics (formerly Invitae), Labcorp
Classification: Likely benign for Hereditary breast ovarian cancer syndrome. Last evaluated: 2026-02-03. Review status: criteria provided, single submitter. Criteria: Invitae Variant Classification Sherloc (09022015). Collection method: clinical testing. Allele origin: germline.

Blueprint Genetics
Classification: Likely benign. Last evaluated: 2024-07-02. Review status: criteria provided, single submitter. Criteria: ACMG Guidelines, 2015. Collection method: clinical testing. Allele origin: germline.

Sema4
Classification: Likely benign for Hereditary cancer-predisposing syndrome. Last evaluated: 2021-06-24. Review status: criteria provided, single submitter. Criteria: Sema4 Curation Guidelines. Collection method: curation. Allele origin: germline.

ARUP Laboratories, Molecular Genetics and Genomics, ARUP Laboratories
Classification: Benign. Last evaluated: 2016-12-01. Review status: criteria provided, single submitter. Criteria: ARUP Molecular Germline Variant Investigation Process. Collection method: clinical testing. Allele origin: germline.

Color Diagnostics, LLC DBA Color Health
Classification: Likely benign for Hereditary cancer-predisposing syndrome. Last evaluated: 2015-08-26. Review status: criteria provided, single submitter. Criteria: ACMG Guidelines, 2015. Collection method: clinical testing. Allele origin: germline.

PreventionGenetics, part of Exact Sciences
Classification: Likely benign for BRCA1-related condition. Last evaluated: 2019-04-08. Review status: no assertion criteria provided. Collection method: clinical testing. Allele origin: germline. Not counted in ClinVar's aggregate classification.
Comment: This variant is classified as likely benign based on ACMG/AMP sequence variant interpretation guidelines (Richards et al. 2015 PMID: 25741868, with internal and published modifications).

Breast Cancer Information Core (BIC) (BRCA1)
No classification provided. Condition: Breast-ovarian cancer, familial 1. Review status: no classification provided. Collection method: clinical testing. Allele origin: germline. Affected: yes. Observed: 15 variant alleles. Not counted in ClinVar's aggregate classification.

Department of Pathology and Laboratory Medicine, Sinai Health System
Classification: Benign for Malignant tumor of breast. Review status: no assertion criteria provided. Collection method: clinical testing. Allele origin: unknown. Affected: yes. Observed: 1 variant allele. Study: The Canadian Open Genetics Repository (COGR). Not counted in ClinVar's aggregate classification.
Comment: The BRCA1, c.-19-10T>C variant was identified in dbSNP (ID: rs201866997) â€šÃ„ÃºWith untested alleleâ€šÃ„Ã¹, with a minor allele frequency of 0.0002 (1000 Genomes Project), LOVD, the ClinVar database (classified as a benign variant by the GeneDx), GeneInsight through the Canadian Open Genetics Repository (1X, classified as â€šÃ„ÃºIARC class 3â€šÃ„Ã¹ by a clinical laboratory) and the BIC database (15X with unknown clinical importance). Fetzer (1999) found no evidence that c.-19-10T>C (IVS1-10TC) abnormally disrupted mRNA splicing or caused the absence of BRCA1 mRNA and classified it a benign polymorphism. In summary, based on the above information, this variant meets our laboratory's criteria to be classified as benign.

Literature cited by the submitters: Cancer Genetocs and Cyto. In press (cited by Breast Cancer Information Core (BIC) (BRCA1)).